The following is an entry in ClinVar:

ClinVar aggregate classification (germline): Conflicting classifications of pathogenicity. Review status: criteria provided, conflicting classifications (1 of 4 stars). 11 submissions from 11 submitters: Uncertain significance (1); Benign (2); Likely benign (5). 3 of the submissions do not count toward it. Last evaluated 2026-08-01.

Conditions:
Cardiovascular phenotype. Identifiers: MedGen CN230736.
Dilated cardiomyopathy 1G (CMD1G). Identifiers: Orphanet 154, MedGen C1858763, MONDO:0011400, OMIM 604145.
Autosomal recessive limb-girdle muscular dystrophy type 2J (LGMDR10). Also called: MUSCULAR DYSTROPHY, LIMB-GIRDLE, AUTOSOMAL RECESSIVE 10; Limb-girdle muscular dystrophy, type 2J. Identifiers: Orphanet 140922, MedGen C1837342, MONDO:0012127, OMIM 608807.
Cardiomyopathy (CMYO). Also called: Cardiomyopathies. Identifiers: Orphanet 167848, MedGen C0878544, MONDO:0004994, HP:0001638. Inheritance: Various modes of inheritance.
TTN-related disorder. Also called: TTN-related condition; TTN-related disease; TTN-related disorders.

Allele frequency attached by ClinVar (database versions not stated): ExAC 0.00017; gnomAD exomes 0.00017 and 0.00011; gnomAD 0.00014; TOPMed 0.00014; ESP Exome Variant Server 0.00016.
gnomAD v4.1: 187 of 1,613,842 alleles (0.012%); highest among the groups gnomAD compares: Admixed American, 0.05%; no homozygotes.

Submissions (11):

CeGaT Center for Human Genetics Tuebingen
Classification: Likely benign. Last evaluated: 2026-08-01. Review status: criteria provided, single submitter. Criteria: CeGaT Center For Human Genetics Tuebingen Variant Classification Criteria Version 2. Collection method: clinical testing. Allele origin: germline. Affected: yes. Observed: 3 variant alleles.
Comment: TTN: BP4, BP7

Labcorp Genetics (formerly Invitae), Labcorp
Classification: Benign for Dilated cardiomyopathy 1G; Autosomal recessive limb-girdle muscular dystrophy type 2J. Last evaluated: 2026-01-06. Review status: criteria provided, single submitter. Criteria: Invitae Variant Classification Sherloc (09022015). Collection method: clinical testing. Allele origin: germline.

Molecular Diagnostic Laboratory for Inherited Cardiovascular Disease, Montreal Heart Institute
Classification: Likely benign. Last evaluated: 2025-04-09. Review status: criteria provided, single submitter. Criteria: ACMG Guidelines, 2015. Collection method: clinical testing. Allele origin: germline. Affected: no.
Comment: BS1;BP7

Blueprint Genetics
Classification: Likely benign. Last evaluated: 2024-09-02. Review status: criteria provided, single submitter. Criteria: ACMG Guidelines, 2015. Collection method: clinical testing. Allele origin: germline.

GeneDx
Classification: Likely benign. Last evaluated: 2021-05-20. Review status: criteria provided, single submitter. Criteria: GeneDx Variant Classification Process June 2021. Collection method: clinical testing. Allele origin: germline. Affected: yes.

Ambry Genetics
Classification: Benign for Cardiovascular phenotype. Last evaluated: 2021-03-27. Review status: criteria provided, single submitter. Criteria: Ambry Variant Classification Scheme 2023. Collection method: clinical testing. Allele origin: germline.

CHEO Genetics Diagnostic Laboratory, Children's Hospital of Eastern Ontario
Classification: Likely benign for Cardiomyopathy. Last evaluated: 2020-01-03. Review status: criteria provided, single submitter. Criteria: ACMG Guidelines, 2015. Collection method: clinical testing. Allele origin: germline.

Eurofins Ntd Llc (ga)
Classification: Uncertain significance. Last evaluated: 2016-04-21. Review status: criteria provided, single submitter. Criteria: EGL Classification Definitions 2015. Collection method: clinical testing. Allele origin: germline. Observed: 4 variant alleles, 4 heterozygotes.

PreventionGenetics, part of Exact Sciences
Classification: Likely benign for TTN-related condition. Last evaluated: 2019-09-17. Review status: no assertion criteria provided. Collection method: clinical testing. Allele origin: germline. Not counted in ClinVar's aggregate classification.
Comment: This variant is classified as likely benign based on ACMG/AMP sequence variant interpretation guidelines (Richards et al. 2015 PMID: 25741868, with internal and published modifications).

Clinical Genetics, Academic Medical Center
Classification: Benign. Review status: no assertion criteria provided. Collection method: clinical testing. Allele origin: germline. Affected: yes. Study: VKGL Data-share Consensus. Not counted in ClinVar's aggregate classification.

Genome Diagnostics Laboratory, University Medical Center Utrecht
Classification: Likely benign. Review status: no assertion criteria provided. Collection method: clinical testing. Allele origin: germline. Affected: yes. Study: VKGL Data-share Consensus. Not counted in ClinVar's aggregate classification.

NM_001267550.2(TTN):c.102561C>T (p.Tyr34187=)

Genes: TTN (titin; minus strand), TTN-AS1 (TTN antisense RNA 1; plus strand). Cytogenetic location: 2q31.2.
Variant type: single nucleotide variant.
Coding change: c.102561C>T on transcript NM_001267550.2 (MANE Select); coding-DNA position 102561, C replaced by T.
Protein change: p.Tyr34187=; no amino-acid change (tyrosine 34187 retained).
Molecular consequence: synonymous variant.
Genome position (GRCh38, 1-based): chr2:178,534,054, G>A on the plus strand (C>T on the coding strand, the complement: TTN is on the minus strand). VCF-style: chr2-178534054-G-A. GRCh37 (hg19) VCF-style: chr2-179398781-G-A.
Other names: c.97638C>T, p.Tyr32546= (NM_001256850.1); c.75366C>T, p.Tyr25122= (NM_003319.4); c.94857C>T, p.Tyr31619= (NM_133378.4); c.75741C>T, p.Tyr25247= (NM_133432.3); c.75942C>T, p.Tyr25314= (NM_133437.4).
Identifiers: ClinVar variation 287452 (VCV000287452.47), dbSNP rs375625664, ClinGen allele CA1985735.